The following is an entry in ClinVar:

ClinVar aggregate classification (germline): Conflicting classifications of pathogenicity. Review status: criteria provided, conflicting classifications (1 of 4 stars). 4 submissions from 4 submitters: Uncertain significance (1); Likely benign (3). Last evaluated 2026-03-01.

Conditions:
Spastic ataxia 2. Also called: Ataxia, spastic, 2, autosomal recessive. Identifiers: Orphanet 397946, MedGen C1969796, MONDO:0012651, OMIM 611302.
Hereditary spastic paraplegia. Also called: Familial spastic paraparesis. Identifiers: Orphanet 685, MedGen C0037773, MONDO:0019064. Disease mechanism: loss of function.

Allele frequency attached by ClinVar (database versions not stated): 1000 Genomes Project 30x 0.00031; 1000 Genomes Project 0.00040; gnomAD 0.00009 and 0.00011; gnomAD exomes 0.00009; TOPMed 0.00013; ExAC 0.00014.
gnomAD v4.1: 231 of 1,611,634 alleles (0.014%); highest among the groups gnomAD compares: East Asian, 0.056%; no homozygotes.

Submissions (4):

CeGaT Center for Human Genetics Tuebingen
Classification: Likely benign. Last evaluated: 2026-03-01. Review status: criteria provided, single submitter. Criteria: CeGaT Center For Human Genetics Tuebingen Variant Classification Criteria Version 2. Collection method: clinical testing. Allele origin: germline. Affected: yes. Observed: 5 variant alleles.
Comment: KIF1C: BP4, BP7

Labcorp Genetics (formerly Invitae), Labcorp
Classification: Likely benign for Spastic ataxia 2. Last evaluated: 2026-01-25. Review status: criteria provided, single submitter. Criteria: Invitae Variant Classification Sherloc (09022015). Collection method: clinical testing. Allele origin: germline.

Genome Diagnostics Laboratory, The Hospital for Sick Children
Classification: Uncertain significance for Hereditary spastic paraplegia. Last evaluated: 2016-12-12. Review status: criteria provided, single submitter. Criteria: ACMG Guidelines, 2015. Collection method: clinical testing. Allele origin: germline. Affected: yes.

GeneDx
Classification: Likely benign. Last evaluated: 2016-05-02. Review status: criteria provided, single submitter. Criteria: GeneDx Variant Classification (06012015). Collection method: clinical testing. Allele origin: germline. Affected: yes.
Comment: This variant is considered likely benign or benign based on one or more of the following criteria: it is a conservative change, it occurs at a poorly conserved position in the protein, it is predicted to be benign by multiple in silico algorithms, and/or has population frequency not consistent with disease.

NM_006612.6(KIF1C):c.1365C>T (p.Asn455=)

Gene: KIF1C (kinesin family member 1C; plus strand). Cytogenetic location: 17p13.2.
Variant type: single nucleotide variant.
Coding change: c.1365C>T on transcript NM_006612.6 (MANE Select); coding-DNA position 1365, C replaced by T.
Protein change: p.Asn455=; no amino-acid change (asparagine 455 retained).
Molecular consequence: synonymous variant.
Genome position (GRCh38, 1-based): chr17:5,007,292, C>T. VCF-style: chr17-5007292-C-T. GRCh37 (hg19) VCF-style: chr17-4910587-C-T.
Identifiers: ClinVar variation 385724 (VCV000385724.49), dbSNP rs142825776, ClinGen allele CA8318954.